The following is an entry in ClinVar:

NM_000062.3(SERPING1):c.1202T>C (p.Ile401Thr)

Gene: SERPING1 (serpin family G member 1; plus strand). Cytogenetic location: 11q12.1.
Variant type: single nucleotide variant.
Coding change: c.1202T>C on transcript NM_000062.3 (MANE Select); coding-DNA position 1202, T replaced by C.
Protein change: p.Ile401Thr; replaces isoleucine 401 with threonine.
Molecular consequence: missense variant.
Genome position (GRCh38, 1-based): chr11:57,611,889, T>C. VCF-style: chr11-57611889-T-C. GRCh37 (hg19) VCF-style: chr11-57379362-T-C.
Other names: c.1202T>C, p.Ile401Thr (NM_001032295.2); short protein forms I401T.
Identifiers: ClinVar variation 3358885 (VCV003358885.3), dbSNP rs1263371770.
Genomic context (GRCh38, chr11:57,611,889, plus strand): 5'-CCATCATGGAGAAACTGGAGATGTCCAAGTTCCAGCCCACTCTCCTAACACTACCCCGCA[T>C]CAAAGTGACGACCAGCCAGGATATGCTCTCAATCATGGAGAAATTGGGTGAGCTCTGGCA-3'
Protein context (NP_000053.2, residues 391-411): FQPTLLTLPR[Ile401Thr]KVTTSQDMLS

ClinVar aggregate classification (germline): Conflicting classifications of pathogenicity. Review status: criteria provided, conflicting classifications (1 of 4 stars). 2 submissions from 2 submitters: Likely pathogenic (1); Uncertain significance (1). Last evaluated 2026-01-24.

Conditions:
Hereditary angioedema type 1 (HAE1). Identifiers: Orphanet 100050, Orphanet 100051, Orphanet 91378, MedGen C2717906, MONDO:0015053, OMIM 106100.

Submissions (2):

Labcorp Genetics (formerly Invitae), Labcorp
Classification: Uncertain significance. Last evaluated: 2026-01-24. Review status: criteria provided, single submitter. Criteria: Invitae Variant Classification Sherloc (09022015). Collection method: clinical testing. Allele origin: germline.
Comment: This sequence change replaces isoleucine, which is neutral and non-polar, with threonine, which is neutral and polar, at codon 401 of the SERPING1 protein (p.Ile401Thr). This variant is not present in population databases (gnomAD no frequency). This missense change has been observed in individual(s) with hereditary angioedema (PMID: 30278448, 32445210). It has also been observed to segregate with disease in related individuals. This variant is also known as p.I379T. ClinVar contains an entry for this variant (Variation ID: 3358885). Invitae Evidence Modeling of protein sequence and biophysical properties (such as structural, functional, and spatial information, amino acid conservation, physicochemical variation, residue mobility, and thermodynamic stability) indicates that this missense variant is expected to disrupt SERPING1 protein function with a positive predictive value of 80%. Experimental studies have shown that this missense change affects SERPING1 function (PMID: 37301409). In summary, the available evidence is currently insufficient to determine the role of this variant in disease. Therefore, it has been classified as a Variant of Uncertain Significance.

DNA-diagnostics Laboratory, Research Centre For Medical Genetics
Classification: Likely pathogenic for Hereditary angioedema type 1. Last evaluated: 2024-07-26. Review status: criteria provided, single submitter. Criteria: ACMG Guidelines, 2015. Collection method: research. Allele origin: germline. Inheritance: Autosomal recessive inheritance. Affected: yes. Observed: 4 variant alleles, 4 heterozygotes.
Comment: The pathogenic or likely pathogenic SERPING1 gene variants are detected in >90% of the HAE1/2 families and in >80% of the total HAE families (e.g., DOI: 10.1016/j.molimm.2008.05.007, 10.1159/2F000138883, 10.1016/j.molimm.2011.07.010). The same variant has previously been reported in Turkish consanguineous autosomal recessive HAE1 family with two homozygous siblings. Affected members displayed a concordant complement profile with HAE-I, whereas heterozygous asymptomatic individuals had normal to mild decrease of C1Inh activities (Mete Gökmen et al., 2019, 2020). The c.1202T>C allele frequency is greater than expected for autosomal dominant HAE and is quite low to cause autosomal recessive HAE (from 0.000004 to 0.00003 in global groups in dbSNP and 0.0005 in Turkey by Kars et al., 2021). Such in silico algorithms as BayesDel, MutPred, REVEL support a deleterious effect of this variant with Supporting evidence of pathogenicity, when choosing at least two identical assessments and using the threshold ranges from ClinGen recommendations (DOI: 10.1016/j.ajhg.2022.10.013). In summary, the c.1202T>C variant in SERPING1 meets ACMG/ClinGen SVI guidance criteria to be classified as recessive likely pathogenic: PP4_Str, PP1, PP2, PP3.

Literature cited by the submitters: PubMed 30278448 (cited by Labcorp Genetics (formerly Invitae), Labcorp and DNA-diagnostics Laboratory, Research Centre For Medical Genetics); PubMed 32445210 (cited by Labcorp Genetics (formerly Invitae), Labcorp and DNA-diagnostics Laboratory, Research Centre For Medical Genetics); PubMed 37301409 (cited by Labcorp Genetics (formerly Invitae), Labcorp); PubMed 34426522 (cited by DNA-diagnostics Laboratory, Research Centre For Medical Genetics).